The following is an entry in ClinVar:

NM_005862.3(STAG1):c.3697_3700del (p.Arg1233fs)

Gene: STAG1 (stromal antigen 1; minus strand). Cytogenetic location: 3q22.3.
Variant type: Microsatellite.
Coding change: c.3697_3700del on transcript NM_005862.3 (MANE Select); coding-DNA positions 3697 to 3700, 4 bases deleted (AGAG; older notation c.3697_3700delAGAG).
Protein change: p.Arg1233fs; shifts the reading frame from arginine 1233.
Molecular consequence: frameshift variant.
Genome position (GRCh38, 1-based): chr3:136,338,423-136,338,426, CTCT deleted on the plus strand (AGAG on the coding strand, the reverse complement: STAG1 is on the minus strand); deleting any 4 consecutive bases within chr3:136,338,423-136,338,431 gives the same sequence; the c. name uses the placement nearest the transcript's 3' end. VCF-style (leftmost placement, unchanged base first): chr3-136338422-GCTCT-G. GRCh37 (hg19) VCF-style: chr3-136057264-GCTCT-G.
Other names: short protein forms R1233fs.
Identifiers: ClinVar variation 817914 (VCV000817914.1), dbSNP rs1576367919, ClinGen allele CA915941585.

ClinVar aggregate classification (germline): Likely pathogenic (1 of 4 stars; one submission).

Submission:

GeneDx
Classification: Likely pathogenic. Last evaluated: 2018-12-06. Review status: criteria provided, single submitter. Criteria: GeneDx Variant Classification (06012015). Collection method: clinical testing. Allele origin: germline. Affected: yes.
Comment: The c.3697_3700delAGAG variant in the STAG1 gene has not been reported previously as a pathogenic variant nor as a benign variant, to our knowledge. The c.3697_3700delAGAG variant causes a frameshift starting with codon Arginine 1233, changes this amino acid to a Leucine residue, and creates a premature Stop codon at position 3 of the new reading frame, denoted p.Arg1233LeufsX3. This variant is predicted to cause loss of normal protein function through protein truncation. The c.3697_3700delAGAG variant is not observed in large population cohorts (Lek et al., 2016). We interpret c.3697_3700delAGAG as a likely pathogenic variant.